The following is an entry in ClinVar:

NM_001256864.2(DNAJC6):c.1100G>A (p.Arg367Gln)

Gene: DNAJC6 (DnaJ heat shock protein family (Hsp40) member C6; plus strand). Cytogenetic location: 1p31.3.
Variant type: single nucleotide variant.
Coding change: c.1100G>A on transcript NM_001256864.2 (MANE Select); coding-DNA position 1100, G replaced by A.
Protein change: p.Arg367Gln; replaces arginine 367 with glutamine.
Molecular consequence: missense variant.
Genome position (GRCh38, 1-based): chr1:65,386,916, G>A. VCF-style: chr1-65386916-G-A. GRCh37 (hg19) VCF-style: chr1-65852599-G-A.
Other names: c.890G>A, p.Arg297Gln (NM_001256865.2); c.929G>A, p.Arg310Gln (NM_014787.4); short protein forms R297Q, R310Q, R367Q.
Identifiers: ClinVar variation 4681685 (VCV004681685.5).

ClinVar aggregate classification (germline): Uncertain significance (1 of 4 stars; one submission).

gnomAD v4.1: 10 of 1,613,676 alleles (0.00062%); highest among the groups gnomAD compares: East Asian, 0.0022%; no homozygotes.

Submission:

CeGaT Center for Human Genetics Tuebingen
Classification: Uncertain significance. Last evaluated: 2025-12-01. Review status: criteria provided, single submitter. Criteria: CeGaT Center For Human Genetics Tuebingen Variant Classification Criteria Version 2. Collection method: clinical testing. Allele origin: germline. Affected: yes. Observed: 1 variant allele.
Comment: DNAJC6: PM2